The following is an entry in ClinVar:

ClinVar aggregate classification (germline): Uncertain significance (0 of 4 stars; one submission).

Conditions:
DPP6-related disorder. Also called: DPP6-related condition.

Submission:

PreventionGenetics, part of Exact Sciences
Classification: Uncertain significance for DPP6-related condition. Last evaluated: 2024-06-24. Review status: no assertion criteria provided. Collection method: clinical testing. Allele origin: germline.
Comment: The DPP6 c.427T>A variant is predicted to result in the amino acid substitution p.Tyr143Asn. To our knowledge, this variant has not been reported in the literature or in a large population database, indicating this variant is rare. At this time, the clinical significance of this variant is uncertain due to the absence of conclusive functional and genetic evidence.

NM_130797.4(DPP6):c.613T>A (p.Tyr205Asn)

Gene: DPP6 (dipeptidyl peptidase like 6; plus strand). Cytogenetic location: 7q36.2.
Variant type: single nucleotide variant.
Coding change: c.613T>A on transcript NM_130797.4 (MANE Select); coding-DNA position 613, T replaced by A.
Protein change: p.Tyr205Asn; replaces tyrosine 205 with asparagine.
Molecular consequence: missense variant. On other transcripts: non-coding transcript variant (2).
Genome position (GRCh38, 1-based): chr7:154,566,902, T>A. VCF-style: chr7-154566902-T-A. GRCh37 (hg19) VCF-style: chr7-154263987-T-A.
Other names: c.421T>A, p.Tyr141Asn (NM_001039350.3, NM_001364501.2); c.427T>A, p.Tyr143Asn (NM_001290252.2, NM_001364502.2, NM_001936.5); c.613T>A, p.Tyr205Asn (NM_001290253.2); c.430T>A, p.Tyr144Asn (NM_001364497.2, NM_001364498.2, NM_001364499.2 and 1 more transcripts); short protein forms Y141N, Y143N, Y144N, Y205N.
Identifiers: ClinVar variation 3345120 (VCV003345120.1).